The following is an entry in ClinVar:

ClinVar aggregate classification (germline): Pathogenic (0 of 4 stars; one submission).

Conditions:
Autosomal dominant nonsyndromic hearing loss 56. Also called: Deafness, autosomal dominant 56. Identifiers: Orphanet 90635, MedGen C3810170, MONDO:0014283, OMIM 615629.

Allele frequency attached by ClinVar (database versions not stated): TOPMed 0.00001.

Submission:

Department of Neurology, First People's Hospital of Wuhu
Classification: Pathogenic for Autosomal dominant nonsyndromic hearing loss 56. Last evaluated: 2023-04-05. Review status: no assertion criteria provided. Collection method: clinical testing. Allele origin: paternal. Inheritance: Autosomal dominant inheritance. Affected: yes. Observed: 1 heterozygote.
Comment: The family exhibited autosomal dominant, progressive, post-lingual, non-syndromic hearing loss. A novel synonymous variant (c.5247A>T, p.Gly1749Gly) in TNC was identified in all affect members. This synonymous variant is situated at the exon-intron junction boundary towards the end of exon 18. Notably, glycine residue at position 1749 is highly conserved across various species. Predictions from dbscSNV and Mutation Taster suggest that this mutation may disrupt normal splicing by affecting downstream splicing events.

Literature cited by the submitters: PubMed 23936043.

NM_002160.4(TNC):c.5247A>T (p.Gly1749=)

Gene: TNC (tenascin C; minus strand). Cytogenetic location: 9q33.1.
Variant type: single nucleotide variant.
Coding change: c.5247A>T on transcript NM_002160.4 (MANE Select); coding-DNA position 5247, A replaced by T.
Protein change: p.Gly1749=; no amino-acid change (glycine 1749 retained).
Molecular consequence: synonymous variant.
Genome position (GRCh38, 1-based): chr9:115,042,220, T>A on the plus strand (A>T on the coding strand, the complement: TNC is on the minus strand). VCF-style: chr9-115042220-T-A. GRCh37 (hg19) VCF-style: chr9-117804499-T-A.
Other names: c.4701A>T, p.Gly1567= (NM_001410991.1).
Identifiers: ClinVar variation 2775398 (VCV002775398.2), dbSNP rs1246681473, ClinGen allele CA466791115.
Genomic context (GRCh38, chr9:115,042,220, plus strand): 5'-CATGAATCCATCCAAACCCACAACACTCCTCCTCTCTCTCCCCTTTCCGAGTCTCCTACC[T>A]CCTGTAATGGGCACATAGGTAATCCGGAAGCTCTCCACTTGGGCTGTGGGTGCCCTCCAG-3'
Protein context (NP_002151.2, residues 1739-1759): SFRITYVPIT[Gly1749=]GTPSMVTVDG